The following is an entry in ClinVar:

ClinVar aggregate classification (germline): Pathogenic (1 of 4 stars; one submission).

Conditions:
Peroxisome biogenesis disorder. Identifiers: Orphanet 79189, MedGen C1832200, MONDO:0019234. Disease mechanism: loss of function.

Submission:

Myriad Genetics, Inc.
Classification: Pathogenic for Peroxisome biogenesis disorder. Last evaluated: 2025-11-21. Review status: criteria provided, single submitter. Criteria: Myriad Autosomal Dominant, Autosomal Recessive and X-Linked Classification Criteria (2023). Collection method: clinical testing. Allele origin: unknown.
Comment: NM_000286.2(PEX12):c.456G>A(W152*) is a nonsense variant classified as pathogenic in the context of peroxisome biogenesis disorder type 3. W152* has not been observed in cases with relevant disease. Relevant functional assessments of this variant are not available in the literature. W152* has not been observed in referenced population frequency databases. Please note: this variant was assessed in the context of healthy population screening.

NM_000286.3(PEX12):c.456G>A (p.Trp152Ter)

Gene: PEX12 (peroxisomal biogenesis factor 12; minus strand). Cytogenetic location: 17q12.
Variant type: single nucleotide variant.
Coding change: c.456G>A on transcript NM_000286.3 (MANE Select); coding-DNA position 456, G replaced by A.
Protein change: p.Trp152Ter; replaces tryptophan 152 with a stop codon.
Molecular consequence: nonsense.
Genome position (GRCh38, 1-based): chr17:35,577,262, C>T on the plus strand (G>A on the coding strand, the complement: PEX12 is on the minus strand). VCF-style: chr17-35577262-C-T. GRCh37 (hg19) VCF-style: chr17-33904281-C-T.
Other names: short protein forms W152*.
Identifiers: ClinVar variation 5003660 (VCV005003660.1).